The following is an entry in ClinVar:

NM_012448.4(STAT5B):c.550+7C>T

Gene: STAT5B (signal transducer and activator of transcription 5B; minus strand). Cytogenetic location: 17q21.2.
Variant type: single nucleotide variant.
Coding change: c.550+7C>T on transcript NM_012448.4 (MANE Select); 7 bases into the intron after coding-DNA position 550, C replaced by T.
Molecular consequence: intron variant.
Genome position (GRCh38, 1-based): chr17:42,223,375, G>A on the plus strand (C>T on the coding strand, the complement: STAT5B is on the minus strand). VCF-style: chr17-42223375-G-A. GRCh37 (hg19) VCF-style: chr17-40375393-G-A.
Identifiers: ClinVar variation 828010 (VCV000828010.5), dbSNP rs771507023, ClinGen allele CA626044045.
Genomic context (GRCh38, chr17:42,223,375, plus strand): 5'-CCAGAGCTGCTTTCCAGTCCCCAGGCCCAATCCTCAAGTTGCACAATGTGCCTCCACCGC[G>A]CCTCACCTTGGATCCTCAGGCTCTCCTGGTACTGGATGATGAAGTACTCCTGAGTCTGCT-3'

ClinVar aggregate classification (germline): Conflicting classifications of pathogenicity. Review status: criteria provided, conflicting classifications (1 of 4 stars). 3 submissions from 2 submitters: Uncertain significance (2); Likely benign (1). Last evaluated 2024-08-06.

Conditions:
Growth hormone insensitivity with immune dysregulation 1, autosomal recessive. Also called: GROWTH HORMONE INSENSITIVITY DUE TO POSTRECEPTOR DEFECT; LARON SYNDROME DUE TO POSTRECEPTOR DEFECT; Laron syndrome with immunodeficiency; GROWTH HORMONE INSENSITIVITY SYNDROME WITH IMMUNE DYSREGULATION 1, AUTOSOMAL RECESSIVE. Identifiers: Orphanet 220465, MedGen C5435698, MONDO:0100211, OMIM 245590.
Growth hormone insensitivity syndrome with immune dysregulation 2, autosomal dominant. Identifiers: MedGen C5436546, MONDO:0100219, OMIM 618985.

Allele frequency attached by ClinVar (database versions not stated): TOPMed 0.00001; gnomAD 0.00003.
gnomAD v4.1: 34 of 1,614,018 alleles (0.0021%); highest among the groups gnomAD compares: South Asian, 0.0033%; no homozygotes.

Submissions (3):

Labcorp Genetics (formerly Invitae), Labcorp
Classification: Likely benign for Growth hormone insensitivity with immune dysregulation 1, autosomal recessive. Last evaluated: 2024-08-06. Review status: criteria provided, single submitter. Criteria: Invitae Variant Classification Sherloc (09022015). Collection method: clinical testing. Allele origin: germline.

Center for Genomics, Ann and Robert H. Lurie Children's Hospital of Chicago
Classification: Uncertain significance for Growth hormone insensitivity with immune dysregulation 1, autosomal recessive. Last evaluated: 2019-09-09. Review status: criteria provided, single submitter. Criteria: ACMG Guidelines, 2015. Collection method: clinical testing. Allele origin: germline.
Comment: STAT5B NM_012448.3 exon 5 c.550+7C>T: This variant has not been reported in the literature but is present in 0.009% (3/30614) of South Asian alleles in the Genome Aggregation Database. This variant is present in ClinVar (Variation ID: 534582). Evolutionary conservation and computational predictive tools for this variant are limited or unavailable. This variant is an intronic variant; splice prediction tools suggest that this variant may affect splicing. However, further studies are needed to understand its impact. In summary, data on this variant is insufficient for disease classification. Therefore, the clinical significance of this variant is uncertain.

Center for Genomics, Ann and Robert H. Lurie Children's Hospital of Chicago
Classification: Uncertain significance for Growth hormone insensitivity with immune dysregulation 1, autosomal recessive; Growth hormone insensitivity syndrome with immune dysregulation 2, autosomal dominant. Review status: criteria provided, single submitter. Criteria: ACMG Guidelines, 2015. Collection method: clinical testing. Allele origin: germline.
Comment: the same text as in the submission from Center for Genomics, Ann and Robert H. Lurie Children's Hospital of Chicago above.